The following is an entry in ClinVar:

ClinVar aggregate classification (germline): Uncertain significance (1 of 4 stars; one submission).

Submission:

Labcorp Genetics (formerly Invitae), Labcorp
Classification: Uncertain significance. Last evaluated: 2022-08-26. Review status: criteria provided, single submitter. Criteria: Invitae Variant Classification Sherloc (09022015). Collection method: clinical testing. Allele origin: germline.
Comment: In summary, the available evidence is currently insufficient to determine the role of this variant in disease. Therefore, it has been classified as a Variant of Uncertain Significance. This variant has not been reported in the literature in individuals affected with RAX2-related conditions. This variant is not present in population databases (gnomAD no frequency). This variant, c.407_412dup, results in the insertion of 2 amino acid(s) of the RAX2 protein (p.Leu136_Gly137dup), but otherwise preserves the integrity of the reading frame.

NM_001319074.4(RAX2):c.407_412dup (p.Gly137_Pro138insLeuGly)

Gene: RAX2 (retina and anterior neural fold homeobox 2; minus strand). Cytogenetic location: 19p13.3.
Variant type: Duplication.
Coding change: c.407_412dup on transcript NM_001319074.4 (MANE Select); coding-DNA positions 407 to 412, 6 bases duplicated (TGGGCC; older notation c.407_412dupTGGGCC).
Protein change: p.Gly137_Pro138insLeuGly.
Molecular consequence: inframe insertion.
Genome position (GRCh38, 1-based): chr19:3,770,764-3,770,769, GGCCCA duplicated on the plus strand (TGGGCC on the coding strand, the reverse complement: RAX2 is on the minus strand); duplicating any 6 consecutive bases within chr19:3,770,764-3,770,771 gives the same sequence; the c. name uses the placement nearest the transcript's 3' end. VCF-style (leftmost placement, unchanged base first): chr19-3770763-G-GGGCCCA. GRCh37 (hg19) VCF-style: chr19-3770761-G-GGGCCCA.
Other names: c.407_412dup, p.Gly137_Pro138insLeuGly (NM_032753.4).
Identifiers: ClinVar variation 2024633 (VCV002024633.4), dbSNP rs2512317429, ClinGen allele CA2580096170.